The following is an entry in ClinVar:

ClinVar aggregate classification (germline): Uncertain significance. Review status: criteria provided, multiple submitters, no conflicts (2 of 4 stars). 2 submissions from 2 submitters: Uncertain significance (2). Last evaluated 2025-08-14.

Conditions:
Inborn genetic diseases. Identifiers: MedGen C0950123, MeSH D030342.

Allele frequency attached by ClinVar (database versions not stated): ExAC 0.00002; gnomAD 0.00002; gnomAD exomes 0.00002 and 0.00004; TOPMed 0.00002; 1000 Genomes Project 30x 0.00016; 1000 Genomes Project 0.00020.
gnomAD v4.1: 55 of 1,614,222 alleles (0.0034%); highest among the groups gnomAD compares: Admixed American, 0.01%; no homozygotes.

Submissions (2):

Ambry Genetics
Classification: Uncertain significance for Inborn genetic diseases. Last evaluated: 2025-08-14. Review status: criteria provided, single submitter. Criteria: Ambry Variant Classification Scheme 2023. Collection method: clinical testing. Allele origin: germline.

Labcorp Genetics (formerly Invitae), Labcorp
Classification: Uncertain significance. Last evaluated: 2022-07-27. Review status: criteria provided, single submitter. Criteria: Invitae Variant Classification Sherloc (09022015). Collection method: clinical testing. Allele origin: germline.
Comment: This sequence change replaces valine, which is neutral and non-polar, with isoleucine, which is neutral and non-polar, at codon 883 of the LCT protein (p.Val883Ile). In summary, the available evidence is currently insufficient to determine the role of this variant in disease. Therefore, it has been classified as a Variant of Uncertain Significance. Algorithms developed to predict the effect of missense changes on protein structure and function output the following: SIFT: "Not Available"; PolyPhen-2: "Benign"; Align-GVGD: "Not Available". The isoleucine amino acid residue is found in multiple mammalian species, which suggests that this missense change does not adversely affect protein function. ClinVar contains an entry for this variant (Variation ID: 1046977). This variant has not been reported in the literature in individuals affected with LCT-related conditions. This variant is present in population databases (rs187369069, gnomAD 0.006%).

NM_002299.4(LCT):c.2647G>A (p.Val883Ile)

Gene: LCT (lactase; minus strand). Cytogenetic location: 2q21.3.
Variant type: single nucleotide variant.
Coding change: c.2647G>A on transcript NM_002299.4 (MANE Select); coding-DNA position 2647, G replaced by A.
Protein change: p.Val883Ile; replaces valine 883 with isoleucine.
Molecular consequence: missense variant.
Genome position (GRCh38, 1-based): chr2:135,809,700, C>T on the plus strand (G>A on the coding strand, the complement: LCT is on the minus strand). VCF-style: chr2-135809700-C-T. GRCh37 (hg19) VCF-style: chr2-136567270-C-T.
Other names: c.2647G>A (NM_002299.2); short protein forms V883I.
Identifiers: ClinVar variation 1046977 (VCV001046977.9), dbSNP rs187369069, ClinGen allele CA1888188.
Genomic context (GRCh38, chr2:135,809,700, plus strand): 5'-ACGTCCCGTGGTAGAACAAATCTCTTTCGAACTTGGGTTGGCTGGAGAACTTTTCCCAAA[C>T]GACTTTAGCCTTGGAGGGCACCTCAGATGGAAAAGTGAAGGCTCTGACTTTGGAGGGGAG-3'
Protein context (NP_002290.2, residues 873-893): PSEVPSKAKV[Val883Ile]WEKFSSQPKF